The following is an entry in ClinVar:

NM_173483.4(CYP4F22):c.314C>T (p.Pro105Leu)

Gene: CYP4F22 (cytochrome P450 family 4 subfamily F member 22; plus strand). Cytogenetic location: 19p13.12.
Variant type: single nucleotide variant.
Coding change: c.314C>T on transcript NM_173483.4 (MANE Select); coding-DNA position 314, C replaced by T.
Protein change: p.Pro105Leu; replaces proline 105 with leucine.
Molecular consequence: missense variant.
Genome position (GRCh38, 1-based): chr19:15,529,800, C>T. VCF-style: chr19-15529800-C-T. GRCh37 (hg19) VCF-style: chr19-15640611-C-T.
Other names: short protein forms P105L.
Identifiers: ClinVar variation 432683 (VCV000432683.5), dbSNP rs749972738, ClinGen allele CA9269518.
Genomic context (GRCh38, chr19:15,529,800, plus strand): 5'-AGAAGAAGGTACTGGACAACATGCACCATGTACTCTTGGTATGGATGGGACCTGTCCTGC[C>T]GCTGTTGGTTCTGGTGCACCCTGATTACATCAAACCCCTTTTGGGAGCCTCAGGTACGTG-3'
Protein context (NP_775754.2, residues 95-115): VLLVWMGPVL[Pro105Leu]LLVLVHPDYI

ClinVar aggregate classification (germline): Uncertain significance. Review status: criteria provided, multiple submitters, no conflicts (2 of 4 stars). 3 submissions from 3 submitters: Uncertain significance (2). 1 of the submissions does not count toward it. Last evaluated 2025-02-19.

Conditions:
Autosomal recessive congenital ichthyosis 5 (ARCI5). Also called: ICHTHYOSIS CONGENITA III; Ichthyosis, nonlamellar and nonerythrodermic, congenital, autosomal recessive. Identifiers: Orphanet 313, MedGen C1858133, MONDO:0011485, OMIM 604777.

Allele frequency attached by ClinVar (database versions not stated): gnomAD 0.00001 and 0.00002; gnomAD exomes 0.00001 and 0.00002; ExAC 0.00002; TOPMed 0.00002.
gnomAD v4.1: 36 of 1,613,972 alleles (0.0022%); highest among the groups gnomAD compares: East Asian, 0.011%; no homozygotes.

Submissions (3):

Women's Health and Genetics/Laboratory Corporation of America, LabCorp
Classification: Uncertain significance. Last evaluated: 2025-02-19. Review status: criteria provided, single submitter. Criteria: LabCorp Variant Classification Summary - May 2015. Collection method: clinical testing. Allele origin: germline.
Comment: Variant summary: CYP4F22 c.314C>T (p.Pro105Leu) results in a non-conservative amino acid change located in the cytochrome P450 domain (IPR001128) of the encoded protein sequence. Three of five in-silico tools predict a damaging effect of the variant on protein function. The variant allele was found at a frequency of 1.2e-05 in 251494 control chromosomes. The available data on variant occurrences in the general population are insufficient to allow any conclusion about variant significance. c.314C>T has been reported in the literature in individuals affected with Lamellar Ichthyosis (Hotz_2018). These data do not allow any conclusion about variant significance. To our knowledge, no experimental evidence demonstrating an impact on protein function has been reported. The following publication have been ascertained in the context of this evaluation (PMID: 30011118). ClinVar contains an entry for this variant (Variation ID: 432683). Based on the evidence outlined above, the variant was classified as uncertain significance.

GeneDx
Classification: Uncertain significance. Last evaluated: 2017-06-15. Review status: criteria provided, single submitter. Criteria: GeneDx Variant Classification (06012015). Collection method: clinical testing. Allele origin: germline. Affected: yes.
Comment: The P105L variant in the CYP4F22 gene has not been reported previously as a pathogenic variant, nor as a benign variant, to our knowledge. The P105L variant is not observed at a significant frequency in large population cohorts (Lek et al., 2016; 1000 Genomes Consortium et al., 2015; Exome Variant Server). The P105L variant is a semi-conservative amino acid substitution, which may impact secondary protein structure as these residues differ in some properties. This substitution occurs at a position that is conserved across species, and in silico analysis predicts this variant is probably damaging to the protein structure/function. We interpret P105L as a variant of uncertain significance.

Institute for Human Genetics, University Medical Center Freiburg
Classification: Pathogenic for Autosomal recessive congenital ichthyosis 5. Last evaluated: 2018-04-23. Review status: no assertion criteria provided. Collection method: clinical testing. Allele origin: germline. Affected: yes. Not counted in ClinVar's aggregate classification.

Literature cited by the submitters: PubMed 30011118 (cited by Women's Health and Genetics/Laboratory Corporation of America, LabCorp and Institute for Human Genetics, University Medical Center Freiburg).